The following is an entry in ClinVar:

ClinVar aggregate classification (germline): Benign (1 of 4 stars; one submission).

Conditions:
Cone-rod dystrophy 15 (CORD15). Identifiers: MedGen C3150912, MONDO:0013348, OMIM 613660.

Allele frequency attached by ClinVar (database versions not stated): 1000 Genomes Project 0.18570; gnomAD 0.17242 and 0.17541; TOPMed 0.17967; 1000 Genomes Project 30x 0.18192.
gnomAD v4.1: 217,362 of 985,264 alleles (22%); highest among the groups gnomAD compares: East Asian, 28%; 24,931 homozygotes.

Submission:

Illumina Laboratory Services, Illumina
Classification: Benign for Cone-rod dystrophy 15. Last evaluated: 2018-01-12. Review status: criteria provided, single submitter. Criteria: ICSL Variant Classification Criteria 13 December 2019. Collection method: clinical testing. Allele origin: germline.
Comment: This variant was observed in the ICSL laboratory as part of a predisposition screen in an ostensibly healthy population. It had not been previously curated by ICSL or reported in the Human Gene Mutation Database (HGMD: prior to June 1st, 2018), and was therefore a candidate for classification through an automated scoring system. Utilizing variant allele frequency, disease prevalence and penetrance estimates, and inheritance mode, an automated score was calculated to assess if this variant is too frequent to cause the disease. Based on the score and internal cut-off values, a variant classified as benign is not then subjected to further curation. The score for this variant resulted in a classification of benign for this disease.

NM_033100.4(CDHR1):c.*3020G>A

Gene: CDHR1 (cadherin related family member 1; plus strand). Cytogenetic location: 10q23.1.
Variant type: single nucleotide variant.
Coding change: c.*3020G>A on transcript NM_033100.4 (MANE Select); 3020 bases downstream of the stop codon, G replaced by A.
Molecular consequence: 3 prime UTR variant. On other transcripts: intron variant (1).
Genome position (GRCh38, 1-based): chr10:84,217,641, G>A. VCF-style: chr10-84217641-G-A. GRCh37 (hg19) VCF-style: chr10-85977397-G-A.
Other names: c.2041-1438G>A (NM_001171971.3).
Identifiers: ClinVar variation 877165 (VCV000877165.4), dbSNP rs11594855, ClinGen allele CA13270949.